The following is an entry in ClinVar:

ClinVar aggregate classification (germline): Pathogenic (3 of 4 stars; one submission).

Conditions:
Hereditary factor VIII deficiency disease (HEMA). Also called: HEMOPHILIA, CLASSIC; AUTOSOMAL HEMOPHILIA A; Hemophilia A; Hemophilia A, congenital; HEM A; Factor 8 deficiency, congenital. Identifiers: Orphanet 98878, MedGen C0019069, MONDO:0010602, OMIM 306700.

Submission:

ClinGen Coagulation Factor Deficiency Variant Curation Expert Panel, Clingen
Classification: Pathogenic for Hereditary factor VIII deficiency disease. Last evaluated: 2024-02-02. Review status: reviewed by expert panel. Criteria: ClinGen CoagFactor ACMG Specifications F8 V1.0.0. Collection method: curation. Allele origin: germline. Inheritance: X-linked inheritance.
Comment: The c.5488G>T (p.Glu1830Ter) variant is a nonsense variant that is predicted to introduce a premature stop codon in exon 16/26 and expected to result in nonsense-mediated mRNA decay, so PVS1 criteria is met. This variant is absent from males in population databases (gnomAD v2.1.1/gnomAD v3), which meets PM2_Supporting criteria. In summary, this variant meets criteria to be classified as pathogenic. ACMG/AMP criteria applied, as specified by the Coagulation Factor Deficiency Variant Curation Expert Panel for F8/F9: PVS1, PM2_Supporting, PS4_Supporting.

NM_000132.4(F8):c.5488G>T (p.Glu1830Ter)

Gene: F8 (coagulation factor VIII; minus strand). Cytogenetic location: Xq28.
Variant type: single nucleotide variant.
Coding change: c.5488G>T on transcript NM_000132.4 (MANE Select); coding-DNA position 5488, G replaced by T.
Protein change: p.Glu1830Ter; replaces glutamic acid 1830 with a stop codon.
Molecular consequence: nonsense.
Genome position (GRCh38, 1-based): chrX:154,904,909, C>A on the plus strand (G>T on the coding strand, the complement: F8 is on the minus strand). VCF-style: chrX-154904909-C-A. GRCh37 (hg19) VCF-style: chrX-154133184-C-A.
Other names: NM_000132.3:c.5488G>T; short protein forms E1830*.
Identifiers: ClinVar variation 2775447 (VCV002775447.2), dbSNP rs2523885566, ClinGen allele CA414908714.